The following is an entry in ClinVar:

NM_006648.4(WNK2):c.4487C>G (p.Pro1496Arg)

Gene: WNK2 (WNK lysine deficient protein kinase 2; plus strand). Cytogenetic location: 9q22.31.
Variant type: single nucleotide variant.
Coding change: c.4487C>G on transcript NM_006648.4 (MANE Select); coding-DNA position 4487, C replaced by G.
Protein change: p.Pro1496Arg; replaces proline 1496 with arginine.
Molecular consequence: missense variant.
Genome position (GRCh38, 1-based): chr9:93,289,241, C>G. VCF-style: chr9-93289241-C-G. GRCh37 (hg19) VCF-style: chr9-96051523-C-G.
Other names: c.4598C>G, p.Pro1533Arg (NM_001282394.3); short protein forms P1496R, P1533R.
Identifiers: ClinVar variation 3816926 (VCV003816926.1).
Genomic context (GRCh38, chr9:93,289,241, plus strand): 5'-CACCTCCTGCACCTGAGCCCAGCCCCCACAGCGGGACCCCACAGCCCGCCTTGGGTCAAC[C>G]TGCTCCCCTGCTTCCTGCCGCAGTGGGGGCCGTCAGCCTGGCCACCTCCCAGCTCCCAAG-3'
Protein context (NP_006639.3, residues 1486-1506): SGTPQPALGQ[Pro1496Arg]APLLPAAVGA

ClinVar aggregate classification (germline): Uncertain significance (1 of 4 stars; one submission).

gnomAD v4.1: 63 of 1,604,224 alleles (0.0039%); highest among the groups gnomAD compares: Non-Finnish European, 0.0052%; no homozygotes.

Submission:

Ambry Genetics
Classification: Uncertain significance. Last evaluated: 2025-01-25. Review status: criteria provided, single submitter. Criteria: Ambry Variant Classification Scheme 2023. Collection method: clinical testing. Allele origin: germline.
Comment: The p.P1496R variant (also known as c.4487C>G), located in coding exon 19 of the WNK2 gene, results from a C to G substitution at nucleotide position 4487. The proline at codon 1496 is replaced by arginine, an amino acid with dissimilar properties. This amino acid position is conserved. In addition, this alteration is predicted to be tolerated by in silico analysis. Based on the available evidence, the clinical significance of this variant remains unclear.